The following is an entry in ClinVar:

NM_005733.3(KIF20A):c.2024G>A (p.Arg675Gln)

Gene: KIF20A (kinesin family member 20A; plus strand). Cytogenetic location: 5q31.2.
Variant type: single nucleotide variant.
Coding change: c.2024G>A on transcript NM_005733.3 (MANE Select); coding-DNA position 2024, G replaced by A.
Protein change: p.Arg675Gln; replaces arginine 675 with glutamine.
Molecular consequence: missense variant.
Genome position (GRCh38, 1-based): chr5:138,185,609, G>A. VCF-style: chr5-138185609-G-A. GRCh37 (hg19) VCF-style: chr5-137521298-G-A.
Other names: c.2024G>A (NM_005733.2); short protein forms R675Q.
Identifiers: ClinVar variation 1481745 (VCV001481745.9), dbSNP rs756187494, ClinGen allele CA3426784.

ClinVar aggregate classification (germline): Uncertain significance. Review status: criteria provided, multiple submitters, no conflicts (2 of 4 stars). 2 submissions from 2 submitters: Uncertain significance (2). Last evaluated 2025-01-16.

Allele frequency attached by ClinVar (database versions not stated): gnomAD 0.00001 and 0.00002; TOPMed 0.00002; ExAC 0.00003; gnomAD exomes 0.00003.
gnomAD v4.1: 66 of 1,614,044 alleles (0.0041%); highest among the groups gnomAD compares: Non-Finnish European, 0.0055%; no homozygotes.

Submissions (2):

Labcorp Genetics (formerly Invitae), Labcorp
Classification: Uncertain significance. Last evaluated: 2025-01-16. Review status: criteria provided, single submitter. Criteria: Invitae Variant Classification Sherloc (09022015). Collection method: clinical testing. Allele origin: germline.
Comment: This sequence change replaces arginine, which is basic and polar, with glutamine, which is neutral and polar, at codon 675 of the KIF20A protein (p.Arg675Gln). The frequency data for this variant in the population databases is considered unreliable, as metrics indicate poor data quality at this position in the gnomAD database. This variant has not been reported in the literature in individuals affected with KIF20A-related conditions. ClinVar contains an entry for this variant (Variation ID: 1481745). An algorithm developed to predict the effect of missense changes on protein structure and function (PolyPhen-2) suggests that this variant is likely to be disruptive. In summary, the available evidence is currently insufficient to determine the role of this variant in disease. Therefore, it has been classified as a Variant of Uncertain Significance.

Ambry Genetics
Classification: Uncertain significance. Last evaluated: 2024-08-20. Review status: criteria provided, single submitter. Criteria: Ambry Variant Classification Scheme 2023. Collection method: clinical testing. Allele origin: germline.